The following is an entry in ClinVar:

ClinVar aggregate classification (germline): Pathogenic. Review status: criteria provided, multiple submitters, no conflicts (2 of 4 stars). 3 submissions from 3 submitters: Pathogenic (3). Last evaluated 2026-05-30.

Conditions:
Primary ciliary dyskinesia. Also called: Ciliary dyskinesia. Identifiers: Orphanet 244, MedGen C0008780, MONDO:0016575, HP:0012265.
Respiratory ciliopathies including non-CF bronchiectasis.
Primary ciliary dyskinesia 7. Also called: CILIARY DYSKINESIA, PRIMARY, 7, WITH OR WITHOUT SITUS INVERSUS. Identifiers: Orphanet 244, MedGen C2678473, MONDO:0012748, OMIM 611884.

Allele frequency attached by ClinVar (database versions not stated): TOPMed 0.00001.
gnomAD v4.1: 33 of 1,613,876 alleles (0.002%); highest among the groups gnomAD compares: South Asian, 0.023%; no homozygotes.

Submissions (3):

NHS Central & South Genomic Laboratory Hub
Classification: Pathogenic for Respiratory ciliopathies including non-CF bronchiectasis. Last evaluated: 2026-05-30. Review status: criteria provided, single submitter. Criteria: ACMG Guidelines, 2015. Collection method: clinical testing. Allele origin: germline. Affected: yes.

Labcorp Genetics (formerly Invitae), Labcorp
Classification: Pathogenic for Primary ciliary dyskinesia. Last evaluated: 2025-08-17. Review status: criteria provided, single submitter. Criteria: Invitae Variant Classification Sherloc (09022015). Collection method: clinical testing. Allele origin: germline.
Comment: This sequence change creates a premature translational stop signal (p.Arg4359*) in the DNAH11 gene. It is expected to result in an absent or disrupted protein product. Loss-of-function variants in DNAH11 are known to be pathogenic (PMID: 18022865, 20513915, 22184204). This variant is present in population databases (rs774903187, gnomAD 0.02%). This premature translational stop signal has been observed in individual(s) with primary ciliary dyskinesia (PMID: 22184204; internal data). ClinVar contains an entry for this variant (Variation ID: 410858). For these reasons, this variant has been classified as Pathogenic.

New York Genome Center
Classification: Pathogenic for Primary ciliary dyskinesia 7. Last evaluated: 2023-07-14. Review status: criteria provided, single submitter. Criteria: NYGC Assertion Criteria 2020. Collection method: clinical testing. Allele origin: inherited. Affected: yes. Observed: 1 variant allele, 1 compound heterozygote.
Comment: The c.13075C>T, p.(Arg4359Ter) variant identified in the DNAH11 gene is a nonsense variant at amino acid 4359/4517 (exon 80/82)and is predicted to lead to loss of protein function via nonsense mediated decay or premature protein termination. This variant is found with low frequency in population databases (allele frequency = 1.77e-5; gnomADv2.1.1, gnomADv3.1.2, BRAVO-TOPMed, All of Us) suggesting it is not a common benign variant in the populations represented in those databases. The c.13075C>T, p.(Arg4359Ter) variant is reported in ClinVar as Pathogenic (VarID:410858), and has been reported in several individuals in the literature with Primary Ciliary Dyskinesia and/or congenital heart defect in homozygous state [PMID:32037575], or in compound heterozygosity with a second DNAH11 variant [PMID:22184204]. Given its predicted deleterious nature, low frequency in population database, and report in affected individuals in the literature, the c.13075C>T, p.(Arg4359Ter) variant identified in the DNAH11 gene is reported as Pathogenic.

Literature cited by the submitters: PubMed 18022865 (cited by Labcorp Genetics (formerly Invitae), Labcorp); PubMed 20513915 (cited by Labcorp Genetics (formerly Invitae), Labcorp); PubMed 22184204 (cited by Labcorp Genetics (formerly Invitae), Labcorp).

NM_001277115.2(DNAH11):c.13075C>T (p.Arg4359Ter)

Genes: DNAH11 (dynein axonemal heavy chain 11; plus strand), LOC126859962 (BRD4-independent group 4 enhancer GRCh37_chr7:21937780-21938979; plus strand). Cytogenetic location: 7p15.3.
Variant type: single nucleotide variant.
Coding change: c.13075C>T on transcript NM_001277115.2 (MANE Select); coding-DNA position 13075, C replaced by T.
Protein change: p.Arg4359Ter; replaces arginine 4359 with a stop codon.
Molecular consequence: nonsense.
Genome position (GRCh38, 1-based): chr7:21,899,361, C>T. VCF-style: chr7-21899361-C-T. GRCh37 (hg19) VCF-style: chr7-21938979-C-T.
Other names: short protein forms R4359*.
Identifiers: ClinVar variation 410858 (VCV000410858.12), dbSNP rs774903187, ClinGen allele CA4183285.